The following is an entry in ClinVar:

ClinVar aggregate classification (germline): Uncertain significance (1 of 4 stars; one submission).

Allele frequency attached by ClinVar (database versions not stated): TOPMed below 0.00001.

Submission:

Labcorp Genetics (formerly Invitae), Labcorp
Classification: Uncertain significance. Last evaluated: 2025-01-01. Review status: criteria provided, single submitter. Criteria: Invitae Variant Classification Sherloc (09022015). Collection method: clinical testing. Allele origin: germline.
Comment: This sequence change replaces glycine, which is neutral and non-polar, with alanine, which is neutral and non-polar, at codon 487 of the COL9A2 protein (p.Gly487Ala). This variant is not present in population databases (gnomAD no frequency). This variant has not been reported in the literature in individuals affected with COL9A2-related conditions. ClinVar contains an entry for this variant (Variation ID: 1895927). Invitae Evidence Modeling of protein sequence and biophysical properties (such as structural, functional, and spatial information, amino acid conservation, physicochemical variation, residue mobility, and thermodynamic stability) indicates that this missense variant is expected to disrupt COL9A2 protein function with a positive predictive value of 95%. In summary, the available evidence is currently insufficient to determine the role of this variant in disease. Therefore, it has been classified as a Variant of Uncertain Significance.

NM_001852.4(COL9A2):c.1460G>C (p.Gly487Ala)

Gene: COL9A2 (collagen type IX alpha 2 chain; minus strand). Cytogenetic location: 1p34.2.
Variant type: single nucleotide variant.
Coding change: c.1460G>C on transcript NM_001852.4 (MANE Select); coding-DNA position 1460, G replaced by C.
Protein change: p.Gly487Ala; replaces glycine 487 with alanine.
Molecular consequence: missense variant.
Genome position (GRCh38, 1-based): chr1:40,303,618, C>G on the plus strand (G>C on the coding strand, the complement: COL9A2 is on the minus strand). VCF-style: chr1-40303618-C-G. GRCh37 (hg19) VCF-style: chr1-40769290-C-G.
Other names: short protein forms G487A.
Identifiers: ClinVar variation 1895927 (VCV001895927.5), dbSNP rs1643952807, ClinGen allele CA339878487.